The following is an entry in ClinVar:

NM_000548.5(TSC2):c.4850C>A (p.Ala1617Asp)

Gene: TSC2 (TSC complex subunit 2; plus strand). Cytogenetic location: 16p13.3.
Variant type: single nucleotide variant.
Coding change: c.4850C>A on transcript NM_000548.5 (MANE Select); coding-DNA position 4850, C replaced by A.
Protein change: p.Ala1617Asp; replaces alanine 1617 with aspartic acid.
Molecular consequence: missense variant.
Genome position (GRCh38, 1-based): chr16:2,086,732, C>A. VCF-style: chr16-2086732-C-A. GRCh37 (hg19) VCF-style: chr16-2136733-C-A.
Other names: c.4649C>A, p.Ala1550Asp (NM_001077183.3); c.4781C>A, p.Ala1594Asp (NM_001114382.3); c.4772C>A, p.Ala1591Asp (NM_001406665.1); c.4742C>A, p.Ala1581Asp (NM_001406667.1); c.4739C>A, p.Ala1580Asp (NM_001406668.1); c.4670C>A, p.Ala1557Asp (NM_001406670.1); c.4640C>A, p.Ala1547Asp (NM_001406671.1); c.4637C>A, p.Ala1546Asp (NM_001406673.1); and 26 more; short protein forms A1016D, A1102D, A1103D, A1125D, A1126D, A1146D, A1350D, A1351D.
Identifiers: ClinVar variation 1721577 (VCV001721577.5), dbSNP rs1412545821, ClinGen allele CA394308214.

ClinVar aggregate classification (germline): Uncertain significance (1 of 4 stars; one submission).

Conditions:
Tuberous sclerosis 2 (TSC2). Identifiers: Orphanet 805, MedGen C1860707, MONDO:0013199, OMIM 613254.

Submission:

Labcorp Genetics (formerly Invitae), Labcorp
Classification: Uncertain significance for Tuberous sclerosis 2. Last evaluated: 2022-10-13. Review status: criteria provided, single submitter. Criteria: Invitae Variant Classification Sherloc (09022015). Collection method: clinical testing. Allele origin: germline.
Comment: This sequence change replaces alanine, which is neutral and non-polar, with aspartic acid, which is acidic and polar, at codon 1617 of the TSC2 protein (p.Ala1617Asp). In summary, the available evidence is currently insufficient to determine the role of this variant in disease. Therefore, it has been classified as a Variant of Uncertain Significance. Algorithms developed to predict the effect of missense changes on protein structure and function are either unavailable or do not agree on the potential impact of this missense change (SIFT: "Deleterious"; PolyPhen-2: "Probably Damaging"; Align-GVGD: "Class C0"). This variant has not been reported in the literature in individuals affected with TSC2-related conditions. This variant is not present in population databases (gnomAD no frequency).